The following is an entry in ClinVar:

NM_000548.5(TSC2):c.4067G>A (p.Gly1356Asp)

Gene: TSC2 (TSC complex subunit 2; plus strand). Cytogenetic location: 16p13.3.
Variant type: single nucleotide variant.
Coding change: c.4067G>A on transcript NM_000548.5 (MANE Select); coding-DNA position 4067, G replaced by A.
Protein change: p.Gly1356Asp; replaces glycine 1356 with aspartic acid.
Molecular consequence: missense variant.
Genome position (GRCh38, 1-based): chr16:2,084,289, G>A. VCF-style: chr16-2084289-G-A. GRCh37 (hg19) VCF-style: chr16-2134290-G-A.
Other names: p.G1356D:GGC>GAC; c.3866G>A, p.Gly1289Asp (NM_001077183.3); c.3998G>A, p.Gly1333Asp (NM_001114382.3); c.3758G>A, p.Gly1253Asp (NM_001318827.2); c.3722G>A, p.Gly1241Asp (NM_001318829.2); c.3335G>A, p.Gly1112Asp (NM_001318831.2); c.3899G>A, p.Gly1300Asp (NM_001318832.2); c.3869G>A, p.Gly1290Asp (NM_001363528.2); and 2 more; short protein forms G1356D, G1289D, G1300D, G1312D, G1313D, G1333D, G1290D, G1112D.
Identifiers: ClinVar variation 207752 (VCV000207752.25), dbSNP rs747104864, ClinGen allele CA050325.

ClinVar aggregate classification (germline): Conflicting classifications of pathogenicity. Review status: criteria provided, conflicting classifications (1 of 4 stars). 8 submissions from 8 submitters: Uncertain significance (6); Likely benign (2). Last evaluated 2026-10-01.

Conditions:
Hereditary cancer-predisposing syndrome. Also called: Neoplastic Syndromes, Hereditary; Tumor predisposition; Hereditary Cancer Syndrome; Hereditary neoplastic syndrome. Identifiers: Orphanet 140162, MedGen C0027672, MeSH D009386, MONDO:0015356.
Tuberous sclerosis syndrome (TSC). Also called: Tuberous sclerosis; Tuberous Sclerosis Complex. Identifiers: Orphanet 805, MedGen C0041341, MONDO:0001734.
Tuberous sclerosis 2 (TSC2). Identifiers: Orphanet 805, MedGen C1860707, MONDO:0013199, OMIM 613254.

Allele frequency attached by ClinVar (database versions not stated): gnomAD exomes below 0.00001 and 0.00001; gnomAD 0.00001; TOPMed 0.00001; ExAC 0.00002.
gnomAD v4.1: 7 of 1,612,124 alleles (0.00043%); highest among the groups gnomAD compares: South Asian, 0.0011%; no homozygotes.

Submissions (8):

CeGaT Center for Human Genetics Tuebingen
Classification: Uncertain significance. Last evaluated: 2026-10-01. Review status: criteria provided, single submitter. Criteria: CeGaT Center For Human Genetics Tuebingen Variant Classification Criteria Version 2. Collection method: clinical testing. Allele origin: germline. Affected: yes. Observed: 1 variant allele.
Comment: TSC2: PM2:Supporting, BP2

Labcorp Genetics (formerly Invitae), Labcorp
Classification: Likely benign for Tuberous sclerosis 2. Last evaluated: 2025-09-23. Review status: criteria provided, single submitter. Criteria: Invitae Variant Classification Sherloc (09022015). Collection method: clinical testing. Allele origin: germline.

Ambry Genetics
Classification: Uncertain significance for Hereditary cancer-predisposing syndrome. Last evaluated: 2025-08-11. Review status: criteria provided, single submitter. Criteria: Ambry Variant Classification Scheme 2023. Collection method: clinical testing. Allele origin: germline.
Comment: The p.G1356D variant (also known as c.4067G>A), located in coding exon 33 of the TSC2 gene, results from a G to A substitution at nucleotide position 4067. The glycine at codon 1356 is replaced by aspartic acid, an amino acid with similar properties. This amino acid position is not well conserved in available vertebrate species. In addition, this alteration is predicted to be deleterious by in silico analysis. Since supporting evidence is limited at this time, the clinical significance of this alteration remains unclear.

All of Us Research Program, National Institutes of Health
Classification: Uncertain significance for Tuberous sclerosis syndrome. Last evaluated: 2024-08-06. Review status: criteria provided, single submitter. Criteria: ACMG Guidelines, 2015. Collection method: clinical testing. Allele origin: germline. Inheritance: Autosomal dominant inheritance. Observed: 3 variant alleles, 3 heterozygotes.
Comment: This missense variant replaces glycine with aspartic acid at codon 1356 of the TSC2 protein. Computational prediction is inconclusive regarding the impact of this variant on protein structure and function (internally defined REVEL score threshold 0.5 < inconclusive < 0.7, PMID: 27666373). To our knowledge, functional studies have not been reported for this variant. This variant has not been reported in individuals affected with tuberous sclerosis complex in the literature. This variant has been identified in 2/246144 chromosomes in the general population by the Genome Aggregation Database (gnomAD). The available evidence is insufficient to determine the role of this variant in disease conclusively. Therefore, this variant is classified as a Variant of Uncertain Significance.

This study involves interpretation of variants in research participants for the purpose of population health screening. Participant phenotype was not available at the time of variant classification. Additional details can be found in publication PMID: 35346344, PMCID: PMC8962531

GeneDx
Classification: Uncertain significance. Last evaluated: 2024-04-09. Review status: criteria provided, single submitter. Criteria: GeneDx Variant Classification Process June 2021. Collection method: clinical testing. Allele origin: germline. Affected: yes.
Comment: In silico analysis supports that this missense variant has a deleterious effect on protein structure/function; Has not been previously published as pathogenic or benign to our knowledge

Color Diagnostics, LLC DBA Color Health
Classification: Uncertain significance for Tuberous sclerosis syndrome. Last evaluated: 2024-03-06. Review status: criteria provided, single submitter. Criteria: ACMG Guidelines, 2015. Collection method: clinical testing. Allele origin: germline.
Comment: This missense variant replaces glycine with aspartic acid at codon 1356 of the TSC2 protein. Computational prediction is inconclusive regarding the impact of this variant on protein structure and function. To our knowledge, functional studies have not been reported for this variant. This variant has not been reported in individuals affected with tuberous sclerosis complex in the literature. This variant has been identified in 2/246144 chromosomes in the general population by the Genome Aggregation Database (gnomAD). The available evidence is insufficient to determine the role of this variant in disease conclusively. Therefore, this variant is classified as a Variant of Uncertain Significance.

Sema4
Classification: Uncertain significance for Hereditary cancer-predisposing syndrome. Last evaluated: 2021-12-05. Review status: criteria provided, single submitter. Criteria: Sema4 Curation Guidelines. Collection method: curation. Allele origin: germline.
Comment: The TSC2 c.4067G>A (p.G1356D) variant has not been reported in the literature to our knowledge. It was observed in 2/110164 chromosomes of the Non-Finnish European subpopulation in the large and broad cohorts of the Genome Aggregation Database (PMID: 32461654). The variant has been reported in ClinVar (Variation ID: 207752). Functional studies have not been performed, and in silico predictions of the variant's effect on protein function are inconclusive. The evidence is insufficient to meet ACMG/AMP criteria for classifying the variant as benign or pathogenic. Thus, the clinical significance of this variant is currently uncertain.

Genome-Nilou Lab
Classification: Likely benign for Tuberous sclerosis 2. Last evaluated: 2021-11-07. Review status: criteria provided, single submitter. Criteria: ACMG Guidelines, 2015. Collection method: clinical testing. Allele origin: germline. Affected: no.